The following is an entry in ClinVar:

NM_002303.6(LEPR):c.3019A>T (p.Ser1007Cys)

Gene: LEPR (leptin receptor; plus strand). Cytogenetic location: 1p31.3.
Variant type: single nucleotide variant.
Coding change: c.3019A>T on transcript NM_002303.6 (MANE Select); coding-DNA position 3019, A replaced by T.
Protein change: p.Ser1007Cys; replaces serine 1007 with cysteine.
Molecular consequence: missense variant.
Genome position (GRCh38, 1-based): chr1:65,636,536, A>T. VCF-style: chr1-65636536-A-T. GRCh37 (hg19) VCF-style: chr1-66102219-A-T.
Other names: short protein forms S1007C.
Identifiers: ClinVar variation 297999 (VCV000297999.25), dbSNP rs145651189, ClinGen allele CA895206.
Genomic context (GRCh38, chr1:65,636,536, plus strand): 5'-GCCACGCTGATCAGCAACTCTAAACCAAGTGAAACTGGTGAAGAACAAGGGCTTATAAAT[A>T]GTTCAGTCACCAAGTGCTTCTCTAGCAAAAATTCTCCGTTGAAGGATTCTTTCTCTAATA-3'
Protein context (NP_002294.2, residues 997-1017): ETGEEQGLIN[Ser1007Cys]SVTKCFSSKN

ClinVar aggregate classification (germline): Conflicting classifications of pathogenicity. Review status: criteria provided, conflicting classifications (1 of 4 stars). 7 submissions from 7 submitters: Uncertain significance (1); Benign (1); Likely benign (3). 2 of the submissions do not count toward it. Last evaluated 2026-01-01.

Conditions:
Monogenic diabetes. Identifiers: Orphanet 183625, MedGen C3888631, MONDO:0015967.
Early onset severe obesity. Identifiers: MedGen C4013980.

Allele frequency attached by ClinVar (database versions not stated): gnomAD 0.00020 and 0.00053; TOPMed 0.00026; ESP Exome Variant Server 0.00038; gnomAD exomes 0.00076 and 0.00160; 1000 Genomes Project 30x 0.00141; 1000 Genomes Project 0.00180; ExAC 0.00185.
gnomAD v4.1: 1,236 of 1,614,120 alleles (0.077%); highest among the groups gnomAD compares: South Asian, 0.9%; 17 homozygotes.

Submissions (7):

CeGaT Center for Human Genetics Tuebingen
Classification: Likely benign. Last evaluated: 2026-01-01. Review status: criteria provided, single submitter. Criteria: CeGaT Center For Human Genetics Tuebingen Variant Classification Criteria Version 2. Collection method: clinical testing. Allele origin: germline. Affected: yes. Observed: 2 variant alleles.
Comment: LEPR: BP4, BS2

Labcorp Genetics (formerly Invitae), Labcorp
Classification: Benign. Last evaluated: 2025-10-03. Review status: criteria provided, single submitter. Criteria: Invitae Variant Classification Sherloc (09022015). Collection method: clinical testing. Allele origin: germline.

Cambridge Genomics Laboratory, East Genomic Laboratory Hub, NHS Genomic Medicine Service
Classification: Uncertain significance for Severe early-onset obesity. Last evaluated: 2025-04-04. Review status: criteria provided, single submitter. Criteria: ACGS Best Practice Guidelines for Variant Classification in Rare Disease 2020. Collection method: clinical testing. Allele origin: germline. Affected: yes.
Comment: PM2,BP4

GeneDx
Classification: Likely benign. Last evaluated: 2020-12-22. Review status: criteria provided, single submitter. Criteria: GeneDx Variant Classification Process June 2021. Collection method: clinical testing. Allele origin: germline. Affected: yes.
Comment: See Variant Classification Assertion Criteria.

Personalized Diabetes Medicine Program, University of Maryland School of Medicine
Classification: Likely benign for Monogenic diabetes. Last evaluated: 2017-06-01. Review status: criteria provided, single submitter. Criteria: ACMG Guidelines, 2015. Collection method: research. Allele origin: unknown. Observed: 1 variant allele, 1 heterozygote. Study: Personalized Diabetes Medicine Program.
Comment: ACMG Criteria:PP3 (3 predictors), BP4 (7 predictors), BS2 (4 homozygotes in South Asian in ExAC, 35 cases and 40 controls in an online resource), BP5 (found in case with GCK pathogenic variant)

Clinical Genetics, Academic Medical Center
Classification: Likely benign. Review status: no assertion criteria provided. Collection method: clinical testing. Allele origin: germline. Affected: yes. Study: VKGL Data-share Consensus. Not counted in ClinVar's aggregate classification.

Genome Diagnostics Laboratory, University Medical Center Utrecht
Classification: Benign. Review status: no assertion criteria provided. Collection method: clinical testing. Allele origin: germline. Affected: yes. Study: VKGL Data-share Consensus. Not counted in ClinVar's aggregate classification.